The following is an entry in ClinVar:

ClinVar aggregate classification (germline): Pathogenic. Review status: criteria provided, multiple submitters, no conflicts (2 of 4 stars). 2 submissions from 2 submitters: Pathogenic (2). Last evaluated 2026-09-01.

Conditions:
Breast-ovarian cancer, familial, susceptibility to, 2 (BROVCA2). Also called: BRCA2 Hereditary Breast and Ovarian Cancer. Identifiers: Orphanet 145, MedGen C2675520, MONDO:0012933, OMIM 612555. Disease mechanism: loss of function.
Hereditary cancer-predisposing syndrome. Also called: Neoplastic Syndromes, Hereditary; Tumor predisposition; Hereditary Cancer Syndrome; Hereditary neoplastic syndrome. Identifiers: Orphanet 140162, MedGen C0027672, MeSH D009386, MONDO:0015356.

Submissions (2):

Ambry Genetics
Classification: Pathogenic for Hereditary cancer-predisposing syndrome. Last evaluated: 2026-09-01. Review status: criteria provided, single submitter. Criteria: Ambry Variant Classification Scheme 2023. Collection method: clinical testing. Allele origin: germline.
Comment: The c.7453delC pathogenic mutation, located in coding exon 14 of the BRCA2 gene, results from a deletion of one nucleotide at nucleotide position 7453, causing a translational frameshift with a predicted alternate stop codon (p.Q2485Rfs*39). This variant is considered to be rare based on population cohorts in the Genome Aggregation Database (gnomAD). This alteration is expected to result in loss of function by premature protein truncation or nonsense-mediated mRNA decay. As such, this alteration is interpreted as a disease-causing mutation. In silico splice site analysis predicts that this alteration may weaken the native splice acceptor site. Based on the supporting evidence, this variant is interpreted as a disease-causing mutation.

Myriad Genetics, Inc.
Classification: Pathogenic for Breast-ovarian cancer, familial, susceptibility to, 2. Last evaluated: 2026-05-20. Review status: criteria provided, single submitter. Criteria: Myriad Autosomal Dominant, Autosomal Recessive and X-Linked Classification Criteria (2023). Collection method: clinical testing. Allele origin: unknown.
Comment: This variant is considered pathogenic. This variant creates a frameshift predicted to result in premature protein truncation.

NM_000059.4(BRCA2):c.7453del (p.Gln2485fs)

Gene: BRCA2 (BRCA2 DNA repair associated; plus strand). Cytogenetic location: 13q13.1.
Variant type: Deletion.
Coding change: c.7453del on transcript NM_000059.4 (MANE Select); coding-DNA position 7453, one base deleted (C; older notation c.7453delC).
Protein change: p.Gln2485fs; shifts the reading frame from glutamine 2485.
Molecular consequence: frameshift variant. On other transcripts: non-coding transcript variant (1).
Genome position (GRCh38, 1-based): chr13:32,356,445, C deleted. VCF-style (leftmost placement, unchanged base first): chr13-32356444-TC-T. GRCh37 (hg19) VCF-style: chr13-32930581-TC-T.
Other names: c.7357del, p.Gln2453fs (NM_001406719.1); c.7453del, p.Gln2485fs (NM_001406720.1, NM_001432077.1); c.2521del, p.Gln841fs (NM_001406721.1); c.1036del, p.Gln346fs (NM_001406722.1); short protein forms Q2453fs, Q2485fs, Q346fs, Q841fs.
Identifiers: ClinVar variation 4876060 (VCV004876060.2).